The following is an entry in ClinVar:

NM_017662.5(TRPM6):c.6055G>A (p.Asp2019Asn)

Gene: TRPM6 (transient receptor potential cation channel subfamily M member 6; minus strand). Cytogenetic location: 9q21.13.
Variant type: single nucleotide variant.
Coding change: c.6055G>A on transcript NM_017662.5 (MANE Select); coding-DNA position 6055, G replaced by A.
Protein change: p.Asp2019Asn; replaces aspartic acid 2019 with asparagine.
Molecular consequence: missense variant.
Genome position (GRCh38, 1-based): chr9:74,724,627, C>T on the plus strand (G>A on the coding strand, the complement: TRPM6 is on the minus strand). VCF-style: chr9-74724627-C-T. GRCh37 (hg19) VCF-style: chr9-77339543-C-T.
Other names: c.6040G>A, p.Asp2014Asn (NM_001177310.2, NM_001177311.2); short protein forms D2014N, D2019N.
Identifiers: ClinVar variation 2026218 (VCV002026218.1), dbSNP rs1825254729, ClinGen allele CA373668999.

ClinVar aggregate classification (germline): Uncertain significance (1 of 4 stars; one submission).

Allele frequency attached by ClinVar (database versions not stated): gnomAD exomes below 0.00001; TOPMed below 0.00001.
gnomAD v4.1: 2 of 1,614,180 alleles (0.00012%); highest among the groups gnomAD compares: Non-Finnish European, 0.00017%; no homozygotes.

Submission:

Labcorp Genetics (formerly Invitae), Labcorp
Classification: Uncertain significance. Last evaluated: 2022-08-22. Review status: criteria provided, single submitter. Criteria: Invitae Variant Classification Sherloc (09022015). Collection method: clinical testing. Allele origin: germline.
Comment: This sequence change replaces aspartic acid, which is acidic and polar, with asparagine, which is neutral and polar, at codon 2019 of the TRPM6 protein (p.Asp2019Asn). This variant is not present in population databases (gnomAD no frequency). This variant has not been reported in the literature in individuals affected with TRPM6-related conditions. Algorithms developed to predict the effect of missense changes on protein structure and function (SIFT, PolyPhen-2, Align-GVGD) all suggest that this variant is likely to be tolerated. In summary, the available evidence is currently insufficient to determine the role of this variant in disease. Therefore, it has been classified as a Variant of Uncertain Significance.